The following is an entry in ClinVar:

ClinVar aggregate classification (germline): Pathogenic (1 of 4 stars; one submission).

Conditions:
Duchenne muscular dystrophy (DMD). Also called: MUSCULAR DYSTROPHY, PSEUDOHYPERTROPHIC PROGRESSIVE, DUCHENNE TYPE; Duchenne Muscular Dystrophy (DMD). Identifiers: Orphanet 98896, MedGen C0013264, MONDO:0010679, OMIM 310200.

Submission:

Labcorp Genetics (formerly Invitae), Labcorp
Classification: Pathogenic for Duchenne muscular dystrophy. Last evaluated: 2021-10-17. Review status: criteria provided, single submitter. Criteria: Invitae Variant Classification Sherloc (09022015). Collection method: clinical testing. Allele origin: germline.
Comment: Disruption of this splice site has been observed in individuals with Duchenne muscular dystrophy (DMD) (PMID: 10464635, 28318817, 29604111). This sequence change affects a donor splice site in intron 10 of the DMD gene. It is expected to disrupt RNA splicing. Variants that disrupt the donor or acceptor splice site typically lead to a loss of protein function (PMID: 16199547), and loss-of-function variants in DMD are known to be pathogenic (PMID: 16770791, 25007885). This variant is not present in population databases (ExAC no frequency). Algorithms developed to predict the effect of sequence changes on RNA splicing suggest that this variant may disrupt the consensus splice site. For these reasons, this variant has been classified as Pathogenic.

Literature cited by the submitters: PubMed 10464635; PubMed 28318817; PubMed 29604111; PubMed 16199547; PubMed 16770791; PubMed 25007885.

NM_004006.3(DMD):c.1149+1G>A

Gene: DMD (dystrophin; minus strand). Cytogenetic location: Xp21.1.
Variant type: single nucleotide variant.
Coding change: c.1149+1G>A on transcript NM_004006.3 (MANE Select); the canonical splice donor site of the intron after coding-DNA position 1149, G replaced by A.
Molecular consequence: splice donor variant.
Genome position (GRCh38, 1-based): chrX:32,644,963, C>T on the plus strand (G>A on the coding strand, the complement: DMD is on the minus strand). VCF-style: chrX-32644963-C-T. GRCh37 (hg19) VCF-style: chrX-32663080-C-T.
Other names: c.1125+1G>A (NM_000109.4); c.1137+1G>A (NM_004009.3); c.780+1G>A (NM_004010.3).
Identifiers: ClinVar variation 409904 (VCV000409904.8), dbSNP rs1060502634, ClinGen allele CA16616683.